The following is an entry in ClinVar:

NM_001369369.1(FOXN1):c.502G>A (p.Ala168Thr)

Gene: FOXN1 (forkhead box N1; plus strand). Cytogenetic location: 17q11.2.
Variant type: single nucleotide variant.
Coding change: c.502G>A on transcript NM_001369369.1 (MANE Select); coding-DNA position 502, G replaced by A.
Protein change: p.Ala168Thr; replaces alanine 168 with threonine.
Molecular consequence: missense variant.
Genome position (GRCh38, 1-based): chr17:28,524,881, G>A. VCF-style: chr17-28524881-G-A. GRCh37 (hg19) VCF-style: chr17-26851899-G-A.
Other names: c.502G>A, p.Ala168Thr (NM_003593.3); short protein forms A168T.
Identifiers: ClinVar variation 4769228 (VCV004769228.1).
Genomic context (GRCh38, chr17:28,524,881, plus strand): 5'-TCCTTTAAGACCCCAGGGCCGCTGGAGGCCTTCGAGGAGATCCCAGTGGACGTGGCGGAG[G>A]CCGAGGCCTTCCTGCCTGGCTTCTCAGCAGAGGCCTGGTGTAACGGGCTCCCCTACCCCA-3'
Protein context (NP_001356298.1, residues 158-178): FEEIPVDVAE[Ala168Thr]EAFLPGFSAE

ClinVar aggregate classification (germline): Uncertain significance (1 of 4 stars; one submission).

Conditions:
T-cell immunodeficiency, congenital alopecia, and nail dystrophy. Also called: Congenital alopecia and nail dystrophy associated with severe functional T-cell immunodeficiency; Pignata Guarino syndrome. Identifiers: Orphanet 169095, MedGen C1866426, MONDO:0011132, OMIM 601705.

Submission:

Labcorp Genetics (formerly Invitae), Labcorp
Classification: Uncertain significance for T-cell immunodeficiency, congenital alopecia, and nail dystrophy. Last evaluated: 2025-10-21. Review status: criteria provided, single submitter. Criteria: Invitae Variant Classification Sherloc (09022015). Collection method: clinical testing. Allele origin: germline.
Comment: This sequence change replaces alanine, which is neutral and non-polar, with threonine, which is neutral and polar, at codon 168 of the FOXN1 protein (p.Ala168Thr). This variant is present in population databases (rs774014717, gnomAD 0.006%). This variant has not been reported in the literature in individuals affected with FOXN1-related conditions. Invitae Evidence Modeling of protein sequence and biophysical properties (such as structural, functional, and spatial information, amino acid conservation, physicochemical variation, residue mobility, and thermodynamic stability) indicates that this missense variant is not expected to disrupt FOXN1 protein function with a negative predictive value of 80%. In summary, the available evidence is currently insufficient to determine the role of this variant in disease. Therefore, it has been classified as a Variant of Uncertain Significance.